The following is an entry in ClinVar:

ClinVar aggregate classification (germline): Uncertain significance (1 of 4 stars; one submission).

Conditions:
TTN-related disorder. Also called: TTN-related disorders; TTN-related condition; TTN-related disease.

gnomAD v4.1: 8 of 1,612,704 alleles (0.0005%); highest among the groups gnomAD compares: Admixed American, 0.013%; no homozygotes.

Submission:

PreventionGenetics, part of Exact Sciences
Classification: Uncertain significance for TTN-related condition. Last evaluated: 2025-12-31. Review status: criteria provided, single submitter. Criteria: ACMG Guidelines, 2015. Collection method: clinical testing. Allele origin: germline.
Comment: The TTN c.11311+4456C>A variant is predicted to interfere with splicing. This variant is also referred to as c.13732C>A (p.Gln4578Lys) in the Novex-3 transcript NM_133379. This variant is located in exon 46 of the Novex-3 transcript (minor small cardiac isoform) which is the last exon of this transcript. This exon is not included in any other TTN transcripts (principle cardiac or skeletal muscle isoforms). To our knowledge, this variant has not been reported in the literature. This variant is reported in 0.020% of alleles in individuals of Latino descent in gnomAD. At this time, the clinical significance of this variant is uncertain due to the absence of conclusive functional and genetic evidence.

NM_001267550.2(TTN):c.11311+4456C>A

Gene: TTN (titin; minus strand). Cytogenetic location: 2q31.2.
Variant type: single nucleotide variant.
Coding change: c.11311+4456C>A on transcript NM_001267550.2 (MANE Select); 4456 bases into the intron after coding-DNA position 11311, C replaced by A.
Molecular consequence: intron variant. On other transcripts: missense variant (1).
Genome position (GRCh38, 1-based): chr2:178,748,668, G>T on the plus strand (C>A on the coding strand, the complement: TTN is on the minus strand). VCF-style: chr2-178748668-G-T. GRCh37 (hg19) VCF-style: chr2-179613395-G-T.
Other names: c.13732C>A, p.Gln4578Lys (NM_133379.5); c.10222+4456C>A (NM_003319.4); c.10798+4456C>A (NM_133437.4); c.10597+4456C>A (NM_133432.3); c.10360+4456C>A (NM_133378.4, NM_001256850.1); short protein forms Q4578K.
Identifiers: ClinVar variation 5000336 (VCV005000336.1).